The following is an entry in ClinVar:

NM_033360.4(KRAS):c.*4+1G>A

Gene: KRAS (KRas proto-oncogene, GTPase; minus strand). Cytogenetic location: 12p12.1.
Variant type: single nucleotide variant.
Coding change: c.*4+1G>A on transcript NM_033360.4 (MANE Plus Clinical); the canonical splice donor site of the intron after 4 bases downstream of the stop codon, G replaced by A.
Molecular consequence: splice donor variant. On other transcripts: intron variant (2).
Genome position (GRCh38, 1-based): chr12:25,215,436, C>T on the plus strand (G>A on the coding strand, the complement: KRAS is on the minus strand). VCF-style: chr12-25215436-C-T. GRCh37 (hg19) VCF-style: chr12-25368370-C-T.
Other names: c.451-5525G>A (NM_001369787.1, NM_004985.5); c.*4+1G>A (NM_001369786.1).
Identifiers: ClinVar variation 984488 (VCV000984488.2), dbSNP rs780979221, ClinGen allele CA6486848.

ClinVar aggregate classification (germline): Uncertain significance. Review status: criteria provided, multiple submitters, no conflicts (2 of 4 stars). 2 submissions from 2 submitters: Uncertain significance (2). Last evaluated 2022-04-07.

Allele frequency attached by ClinVar (database versions not stated): ExAC 0.00001; gnomAD 0.00001; gnomAD exomes 0.00001.
gnomAD v4.1: 8 of 1,613,112 alleles (0.0005%); highest among the groups gnomAD compares: East Asian, 0.0022%; no homozygotes.

Submissions (2):

Blueprint Genetics
Classification: Uncertain significance. Last evaluated: 2022-04-07. Review status: criteria provided, single submitter. Criteria: ACMG Guidelines, 2015. Collection method: clinical testing. Allele origin: germline.

Women's Health and Genetics/Laboratory Corporation of America, LabCorp
Classification: Uncertain significance. Last evaluated: 2020-10-19. Review status: criteria provided, single submitter. Criteria: LabCorp Variant Classification Summary - May 2015. Collection method: clinical testing. Allele origin: germline.
Comment: Variant summary: KRAS c.*4+1G>A is located in a canonical splice-site and is predicted to affect mRNA splicing resulting in a significantly altered protein due to either exon skipping, shortening, or inclusion of intronic material. Several computational tools predict a significant impact on normal splicing: Four predict the variant abolishes a 5' splicing donor site. However, these predictions have yet to be confirmed by functional studies. The variant allele was found at a frequency of 8e-06 in 251140 control chromosomes (gnomAD). The available data on variant occurrences in the general population are insufficient to allow any conclusion about variant significance. To our knowledge, no occurrence of c.*4+1G>A in individuals affected with Noonan Syndrome and no experimental evidence demonstrating its impact on protein function have been reported. No clinical diagnostic laboratories have submitted clinical-significance assessments for this variant to ClinVar after 2014. Based on the evidence outlined above, the variant was classified as uncertain significance.